The following is an entry in ClinVar:

NM_000222.3(KIT):c.1652C>T (p.Pro551Leu)

Gene: KIT (KIT proto-oncogene, receptor tyrosine kinase; plus strand). Cytogenetic location: 4q12.
Variant type: single nucleotide variant.
Coding change: c.1652C>T on transcript NM_000222.3 (MANE Select); coding-DNA position 1652, C replaced by T.
Protein change: p.Pro551Leu; replaces proline 551 with leucine.
Molecular consequence: missense variant.
Genome position (GRCh38, 1-based): chr4:54,727,420, C>T. VCF-style: chr4-54727420-C-T. GRCh37 (hg19) VCF-style: chr4-55593586-C-T.
Other names: c.1640C>T, p.Pro547Leu (NM_001093772.2, NM_001385286.1); c.1655C>T, p.Pro552Leu (NM_001385284.1, NM_001385290.1); c.1652C>T, p.Pro551Leu (NM_001385285.1); c.1643C>T, p.Pro548Leu (NM_001385288.1, NM_001385292.1); short protein forms P547L, P548L, P551L, P552L.
Identifiers: ClinVar variation 1045068 (VCV001045068.18), dbSNP rs1722299442, ClinGen allele CA356907426.

ClinVar aggregate classification (germline): Uncertain significance. Review status: criteria provided, multiple submitters, no conflicts (2 of 4 stars). 2 submissions from 2 submitters: Uncertain significance (2). Last evaluated 2025-09-28.
ClinVar aggregate classification (oncogenicity): Uncertain significance (0 of 4 stars; one submission).

Conditions:
Gastrointestinal stromal tumor. Also called: Gastrointestinal stromal tumor, somatic; Gastrointestinal stroma tumor. Identifiers: Orphanet 44890, MedGen C0238198, MeSH D046152, MONDO:0011719, OMIM 606764, HP:0100723.
Hereditary cancer-predisposing syndrome. Also called: Tumor predisposition; Neoplastic Syndromes, Hereditary; Hereditary neoplastic syndrome; Hereditary Cancer Syndrome. Identifiers: Orphanet 140162, MedGen C0027672, MeSH D009386, MONDO:0015356.

Submissions (3):

Ambry Genetics
Classification: Uncertain significance for Hereditary cancer-predisposing syndrome. Last evaluated: 2025-09-28. Review status: criteria provided, single submitter. Criteria: Ambry Variant Classification Scheme 2023. Collection method: clinical testing. Allele origin: germline.
Comment: The p.P551L variant (also known as c.1652C>T), located in coding exon 11 of the KIT gene, results from a C to T substitution at nucleotide position 1652. The proline at codon 551 is replaced by leucine, an amino acid with similar properties. This amino acid position is highly conserved in available vertebrate species. In addition, this alteration is predicted to be deleterious by in silico analysis. Since supporting evidence is limited at this time, the clinical significance of this alteration remains unclear.

Labcorp Genetics (formerly Invitae), Labcorp
Classification: Uncertain significance for Gastrointestinal stromal tumor. Last evaluated: 2022-07-27. Review status: criteria provided, single submitter. Criteria: Invitae Variant Classification Sherloc (09022015). Collection method: clinical testing. Allele origin: germline.
Comment: This sequence change replaces proline, which is neutral and non-polar, with leucine, which is neutral and non-polar, at codon 551 of the KIT protein (p.Pro551Leu). This variant is not present in population databases (gnomAD no frequency). This variant has not been reported in the literature in individuals affected with KIT-related conditions. ClinVar contains an entry for this variant (Variation ID: 1045068). Algorithms developed to predict the effect of missense changes on protein structure and function (SIFT, PolyPhen-2, Align-GVGD) all suggest that this variant is likely to be disruptive. In summary, the available evidence is currently insufficient to determine the role of this variant in disease. Therefore, it has been classified as a Variant of Uncertain Significance.

National Institute of Cancer Research, National Health Research Institutes
Classification: Uncertain significance for Gastrointestinal stromal tumor. Review status: no assertion criteria provided. Collection method: research. Allele origin: somatic. Observed: 1 variant allele.
Comment: clinical data